The following is an entry in ClinVar:

ClinVar aggregate classification (germline): Conflicting classifications of pathogenicity. Review status: criteria provided, conflicting classifications (1 of 4 stars). 3 submissions from 2 submitters: Uncertain significance (2); Likely benign (1). Last evaluated 2022-08-22.

Conditions:
Transitory neonatal diabetes mellitus. Also called: Transient neonatal diabetes mellitus. Identifiers: MedGen C0342273, MONDO:0020525, HP:0008255.
Maturity-onset diabetes of the young (MODY). Also called: Maturity onset diabetes mellitus in young. Identifiers: Orphanet 552, MedGen C0342276, MONDO:0018911, HP:0004904.

Submissions (3):

Labcorp Genetics (formerly Invitae), Labcorp
Classification: Likely benign. Last evaluated: 2022-08-22. Review status: criteria provided, single submitter. Criteria: Invitae Variant Classification Sherloc (09022015). Collection method: clinical testing. Allele origin: germline.

Clinical Genomics, Uppaluri K&H Personalized Medicine Clinic
Classification: Uncertain significance for Transitory neonatal diabetes mellitus. Review status: criteria provided, single submitter. Criteria: K & H Uppaluri Personalized Medicine Clinic Variant Classification & Assertion Criteria_Updated V.1. Collection method: research. Allele origin: unknown. Inheritance: Somatic mutation.
Comment: Mutations in ABCC8 gene are associated with both neonatal diabetes mellitus as well as MODY. Patients with this mutation may have a better response to sulfonylureas. However, no sufficient evidence is found to ascertain the role of this particular variant ( rs1591845922) in neonatal diabetes yet.

Clinical Genomics, Uppaluri K&H Personalized Medicine Clinic
Classification: Uncertain significance for Maturity-onset diabetes of the young. Review status: criteria provided, single submitter. Criteria: K & H Uppaluri Personalized Medicine Clinic Variant Classification & Assertion Criteria_Updated V.1. Collection method: research. Allele origin: unknown. Inheritance: Somatic mutation.
Comment: Mutations in ABCC8 gene are associated with both neonatal diabetes mellitus as well as MODY. Patients with this mutation may have a better response to sulfonylureas. However, no sufficient evidence is found to ascertain the role of this particular variant ( rs1591845922) in MODY yet.

Literature cited by the submitters: PubMed 16885549 (cited by Clinical Genomics, Uppaluri K&H Personalized Medicine Clinic); PubMed 21989597 (cited by Clinical Genomics, Uppaluri K&H Personalized Medicine Clinic); PubMed 27538677 (cited by Clinical Genomics, Uppaluri K&H Personalized Medicine Clinic); PubMed 18981553 (cited by Clinical Genomics, Uppaluri K&H Personalized Medicine Clinic); PubMed 32027066 (cited by Clinical Genomics, Uppaluri K&H Personalized Medicine Clinic); PubMed 16613899 (cited by Clinical Genomics, Uppaluri K&H Personalized Medicine Clinic); PubMed 18025408 (cited by Clinical Genomics, Uppaluri K&H Personalized Medicine Clinic); PubMed 32792356 (cited by Clinical Genomics, Uppaluri K&H Personalized Medicine Clinic).

NM_000352.6(ABCC8):c.1296C>T (p.Phe432=)

Gene: ABCC8 (ATP binding cassette subfamily C member 8; minus strand). Cytogenetic location: 11p15.1.
Variant type: single nucleotide variant.
Coding change: c.1296C>T on transcript NM_000352.6 (MANE Select); coding-DNA position 1296, C replaced by T.
Protein change: p.Phe432=; no amino-acid change (phenylalanine 432 retained).
Molecular consequence: synonymous variant. On other transcripts: non-coding transcript variant (1).
Genome position (GRCh38, 1-based): chr11:17,448,552, G>A on the plus strand (C>T on the coding strand, the complement: ABCC8 is on the minus strand). VCF-style: chr11-17448552-G-A. GRCh37 (hg19) VCF-style: chr11-17470099-G-A.
Other names: c.1296C>T, p.Phe432= (NM_001287174.3, NM_001351295.2); c.1293C>T, p.Phe431= (NM_001351296.2, NM_001351297.2).
Identifiers: ClinVar variation 799568 (VCV000799568.9), dbSNP rs1591845922, ClinGen allele CA473299155.